The following is an entry in ClinVar:

ClinVar aggregate classification (germline): Likely benign. Review status: criteria provided, multiple submitters, no conflicts (2 of 4 stars). 2 submissions from 2 submitters: Likely benign (2). Last evaluated 2026-02-19.

Conditions:
Hereditary cancer-predisposing syndrome. Also called: Hereditary neoplastic syndrome; Tumor predisposition; Neoplastic Syndromes, Hereditary; Hereditary Cancer Syndrome. Identifiers: Orphanet 140162, MedGen C0027672, MeSH D009386, MONDO:0015356.

Submissions (2):

Ambry Genetics
Classification: Likely benign for Hereditary cancer-predisposing syndrome. Last evaluated: 2026-02-19. Review status: criteria provided, single submitter. Criteria: Ambry Variant Classification Scheme 2023. Collection method: clinical testing. Allele origin: germline.

Women's Health and Genetics/Laboratory Corporation of America, LabCorp
Classification: Likely benign. Last evaluated: 2024-05-16. Review status: criteria provided, single submitter. Criteria: LabCorp Variant Classification Summary - May 2015. Collection method: clinical testing. Allele origin: germline.
Comment: Variant summary: BRCA1 c.2628A>G alters a non-conserved nucleotide resulting in a synonymous change. Consensus agreement among computation tools predict no significant impact on normal splicing. However, these predictions have yet to be confirmed by functional studies. The variant was absent in 251132 control chromosomes. The available data on variant occurrences in the general population are insufficient to allow any conclusion about variant significance. To our knowledge, no occurrence of c.2628A>G in individuals affected with Hereditary Breast And Ovarian Cancer Syndrome and no experimental evidence demonstrating its impact on protein function have been reported. No submitters have cited clinical-significance assessments for this variant to ClinVar. Based on the evidence outlined above, the variant was classified as likely benign.

NM_007294.4(BRCA1):c.2628A>G (p.Gly876=)

Gene: BRCA1 (BRCA1 DNA repair associated; minus strand). Cytogenetic location: 17q21.31.
Variant type: single nucleotide variant.
Coding change: c.2628A>G on transcript NM_007294.4 (MANE Select); coding-DNA position 2628, A replaced by G.
Protein change: p.Gly876=; no amino-acid change (glycine 876 retained).
Molecular consequence: synonymous variant. On other transcripts: intron variant (137).
Genome position (GRCh38, 1-based): chr17:43,092,903, T>C on the plus strand (A>G on the coding strand, the complement: BRCA1 is on the minus strand). VCF-style: chr17-43092903-T-C. GRCh37 (hg19) VCF-style: chr17-41244920-T-C.
Other names: c.2628A>G, p.Gly876= (NM_001407602.1, NM_001407603.1, NM_001407605.1 and 30 more transcripts); c.2625A>G, p.Gly875= (NM_001407610.1, NM_001407611.1, NM_001407612.1 and 22 more transcripts); c.2415A>G, p.Gly805= (NM_001407571.1, NM_001407853.1, NM_001407894.1 and 9 more transcripts); c.2619A>G, p.Gly873= (NM_001407646.1, NM_001407647.1); c.2505A>G, p.Gly835= (NM_001407648.1, NM_001407664.1, NM_001407665.1 and 19 more transcripts); c.2502A>G, p.Gly834= (NM_001407649.1, NM_001407670.1, NM_001407671.1 and 11 more transcripts); c.2550A>G, p.Gly850= (NM_001407653.1, NM_001407654.1, NM_001407655.1 and 4 more transcripts); c.2547A>G, p.Gly849= (NM_001407659.1, NM_001407660.1, NM_001407661.1 and 1 more transcripts); and 41 more.
Identifiers: ClinVar variation 3336565 (VCV003336565.2).